The following is an entry in ClinVar:

ClinVar aggregate classification (germline): Uncertain significance. Review status: criteria provided, multiple submitters, no conflicts (2 of 4 stars). 2 submissions from 2 submitters: Uncertain significance (2). Last evaluated 2025-07-31.

Allele frequency attached by ClinVar (database versions not stated): gnomAD exomes below 0.00001; TOPMed 0.00001.
gnomAD v4.1: 2 of 1,614,152 alleles (0.00012%); highest among the groups gnomAD compares: Non-Finnish European, 0.000085%; no homozygotes.

Submissions (2):

Labcorp Genetics (formerly Invitae), Labcorp
Classification: Uncertain significance. Last evaluated: 2025-07-31. Review status: criteria provided, single submitter. Criteria: Invitae Variant Classification Sherloc (09022015). Collection method: clinical testing. Allele origin: germline.
Comment: This sequence change replaces phenylalanine, which is neutral and non-polar, with valine, which is neutral and non-polar, at codon 279 of the GALNT12 protein (p.Phe279Val). This variant is not present in population databases (gnomAD no frequency). This variant has not been reported in the literature in individuals affected with GALNT12-related conditions. ClinVar contains an entry for this variant (Variation ID: 1763085). Invitae Evidence Modeling of protein sequence and biophysical properties (such as structural, functional, and spatial information, amino acid conservation, physicochemical variation, residue mobility, and thermodynamic stability) indicates that this missense variant is not expected to disrupt GALNT12 protein function with a negative predictive value of 80%. In summary, the available evidence is currently insufficient to determine the role of this variant in disease. Therefore, it has been classified as a Variant of Uncertain Significance.

Ambry Genetics
Classification: Uncertain significance. Last evaluated: 2022-10-20. Review status: criteria provided, single submitter. Criteria: Ambry Variant Classification Scheme 2023. Collection method: clinical testing. Allele origin: germline.
Comment: The p.F279V variant (also known as c.835T>G), located in coding exon 4 of the GALNT12 gene, results from a T to G substitution at nucleotide position 835. The phenylalanine at codon 279 is replaced by valine, an amino acid with highly similar properties. This amino acid position is highly conserved in available vertebrate species. In addition, this alteration is predicted to be deleterious by in silico analysis. Since supporting evidence is limited at this time, the clinical significance of this alteration remains unclear.

NM_024642.5(GALNT12):c.835T>G (p.Phe279Val)

Gene: GALNT12 (polypeptide N-acetylgalactosaminyltransferase 12; plus strand). Cytogenetic location: 9q22.33.
Variant type: single nucleotide variant.
Coding change: c.835T>G on transcript NM_024642.5 (MANE Select); coding-DNA position 835, T replaced by G.
Protein change: p.Phe279Val; replaces phenylalanine 279 with valine.
Molecular consequence: missense variant.
Genome position (GRCh38, 1-based): chr9:98,831,875, T>G. VCF-style: chr9-98831875-T-G. GRCh37 (hg19) VCF-style: chr9-101594157-T-G.
Other names: short protein forms F279V.
Identifiers: ClinVar variation 1763085 (VCV001763085.5), dbSNP rs1836006978, ClinGen allele CA374218108.